The following is an entry in ClinVar:

NM_007294.4(BRCA1):c.5350G>C (p.Val1784Leu)

Gene: BRCA1 (BRCA1 DNA repair associated; minus strand). Cytogenetic location: 17q21.31.
Variant type: single nucleotide variant.
Coding change: c.5350G>C on transcript NM_007294.4 (MANE Select); coding-DNA position 5350, G replaced by C.
Protein change: p.Val1784Leu; replaces valine 1784 with leucine.
Molecular consequence: missense variant. On other transcripts: non-coding transcript variant (1), intron variant (1).
Genome position (GRCh38, 1-based): chr17:43,049,177, C>G on the plus strand (G>C on the coding strand, the complement: BRCA1 is on the minus strand). VCF-style: chr17-43049177-C-G. GRCh37 (hg19) VCF-style: chr17-41201194-C-G.
Other names: c.5137G>C, p.Val1713Leu (NM_001407571.1, NM_001407894.1, NM_001407895.1 and 12 more transcripts); c.5416G>C, p.Val1806Leu (NM_001407581.1, NM_001407582.1); c.5413G>C, p.Val1805Leu (NM_001407583.1, NM_001407585.1, NM_001407587.1 and 1 more transcripts); c.5410G>C, p.Val1804Leu (NM_001407590.1, NM_001407591.1); c.5350G>C, p.Val1784Leu (NM_001407593.1, NM_001407594.1, NM_001407596.1 and 5 more transcripts); c.5347G>C, p.Val1783Leu (NM_001407616.1, NM_001407617.1, NM_001407618.1 and 14 more transcripts); c.5344G>C, p.Val1782Leu (NM_001407635.1, NM_001407636.1, NM_001407637.1 and 13 more transcripts); c.5341G>C, p.Val1781Leu (NM_001407644.1, NM_001407645.1); and 73 more; short protein forms V1805L, V680L, V1784L, V1737L, V1487L, V1656L, V1657L, V1695L.
Identifiers: ClinVar variation 865647 (VCV000865647.3), dbSNP rs1060502328, ClinGen allele CA10590762.

Conditions:
Breast-ovarian cancer, familial, susceptibility to, 1 (BROVCA1). Also called: BRCA1 Hereditary Breast and Ovarian Cancer; OVARIAN CANCER, SUSCEPTIBILITY TO. Identifiers: Orphanet 145, MedGen C2676676, MONDO:0011450, OMIM 604370. Disease mechanism: loss of function.

Submission:

Brotman Baty Institute, University of Washington
No classification provided (evidence only). Condition: Breast-ovarian cancer, familial 1. Review status: no classification provided. Collection method: in vitro. Allele origin: not applicable. Functional consequence: functionally_normal.
ClinVar note: "not provided" was previously submitted as the classification for the variant. However, the classification appeared to be based only on an observation of functional data so it was converted to no classification on 2025-07-30.